The following is an entry in ClinVar:

ClinVar aggregate classification (germline): Conflicting classifications of pathogenicity. Review status: criteria provided, conflicting classifications (1 of 4 stars). 2 submissions from 2 submitters: Uncertain significance (1); Likely benign (1). Last evaluated 2025-05-27.

Conditions:
Hereditary cancer-predisposing syndrome. Also called: Neoplastic Syndromes, Hereditary; Tumor predisposition; Hereditary neoplastic syndrome; Hereditary Cancer Syndrome. Identifiers: Orphanet 140162, MedGen C0027672, MeSH D009386, MONDO:0015356.
Bloom syndrome (BLM). Also called: Bloom-Torre-Machacek syndrome. Identifiers: Orphanet 125, MedGen C0005859, MONDO:0008876, OMIM 210900.

Submissions (2):

Labcorp Genetics (formerly Invitae), Labcorp
Classification: Uncertain significance for Bloom syndrome. Last evaluated: 2025-05-27. Review status: criteria provided, single submitter. Criteria: Invitae Variant Classification Sherloc (09022015). Collection method: clinical testing. Allele origin: germline.
Comment: This sequence change replaces serine, which is neutral and polar, with asparagine, which is neutral and polar, at codon 175 of the BLM protein (p.Ser175Asn). This variant is not present in population databases (gnomAD no frequency). This variant has not been reported in the literature in individuals affected with BLM-related conditions. ClinVar contains an entry for this variant (Variation ID: 1373179). An algorithm developed to predict the effect of missense changes on protein structure and function outputs the following: PolyPhen-2: "Benign". The asparagine amino acid residue is found in multiple mammalian species, which suggests that this missense change does not adversely affect protein function. In summary, the available evidence is currently insufficient to determine the role of this variant in disease. Therefore, it has been classified as a Variant of Uncertain Significance.

Ambry Genetics
Classification: Likely benign for Hereditary cancer-predisposing syndrome. Last evaluated: 2024-07-02. Review status: criteria provided, single submitter. Criteria: Ambry Variant Classification Scheme 2023. Collection method: clinical testing. Allele origin: germline.

NM_000057.4(BLM):c.524G>A (p.Ser175Asn)

Gene: BLM (BLM RecQ like helicase; plus strand). Cytogenetic location: 15q26.1.
Variant type: single nucleotide variant.
Coding change: c.524G>A on transcript NM_000057.4 (MANE Select); coding-DNA position 524, G replaced by A.
Protein change: p.Ser175Asn; replaces serine 175 with asparagine.
Molecular consequence: missense variant. On other transcripts: 5 prime UTR variant (1).
Genome position (GRCh38, 1-based): chr15:90,749,792, G>A. VCF-style: chr15-90749792-G-A. GRCh37 (hg19) VCF-style: chr15-91293022-G-A.
Other names: c.524G>A, p.Ser175Asn (NM_001287246.2, NM_001287247.2); c.-768G>A (NM_001287248.2); c.524G>A (NM_000057.2); short protein forms S175N.
Identifiers: ClinVar variation 1373179 (VCV001373179.9), dbSNP rs2151147521, ClinGen allele CA393840973.